The following is an entry in ClinVar:

NM_000719.7(CACNA1C):c.5522T>A (p.Met1841Lys)

Genes: CACNA1C (calcium voltage-gated channel subunit alpha1 C; plus strand), CACNA1C-AS1 (CACNA1C antisense RNA 1; minus strand). Cytogenetic location: 12p13.33.
Variant type: single nucleotide variant.
Coding change: c.5522T>A on transcript NM_000719.7 (MANE Select); coding-DNA position 5522, T replaced by A.
Protein change: p.Met1841Lys; replaces methionine 1841 with lysine.
Molecular consequence: missense variant.
Genome position (GRCh38, 1-based): chr12:2,682,627, T>A. VCF-style: chr12-2682627-T-A. GRCh37 (hg19) VCF-style: chr12-2791793-T-A.
Other names: c.5582T>A, p.Met1861Lys (NM_001129832.2); c.5579T>A, p.Met1860Lys (NM_001129833.2, NM_001129834.2, NM_001129835.2); c.5573T>A, p.Met1858Lys (NM_001129836.2); c.5546T>A, p.Met1849Lys (NM_001129837.2, NM_001129838.2); c.5540T>A, p.Met1847Lys (NM_001129839.2); c.5666T>A, p.Met1889Lys (NM_001129827.2); c.5645T>A, p.Met1882Lys (NM_001129829.2); c.5627T>A, p.Met1876Lys (NM_001129830.3, NM_001167624.3); and 6 more; short protein forms M1841K, M1847K, M1860K, M1869K, M1876K, M1901K, M1830K, M1858K.
Identifiers: ClinVar variation 2832076 (VCV002832076.4), dbSNP rs1178625585, ClinGen allele CA383380913.

ClinVar aggregate classification (germline): Uncertain significance. Review status: criteria provided, multiple submitters, no conflicts (2 of 4 stars). 2 submissions from 2 submitters: Uncertain significance (2). Last evaluated 2025-08-06.

Conditions:
Cardiovascular phenotype. Identifiers: MedGen CN230736.
Long QT syndrome (LQTS). Identifiers: MedGen C0023976, MeSH D008133, MONDO:0002442. Disease mechanism: loss of function. Inheritance: Various modes of inheritance.

Allele frequency attached by ClinVar (database versions not stated): TOPMed below 0.00001.

Submissions (2):

Ambry Genetics
Classification: Uncertain significance for Cardiovascular phenotype. Last evaluated: 2025-08-06. Review status: criteria provided, single submitter. Criteria: Ambry Variant Classification Scheme 2023. Collection method: clinical testing. Allele origin: germline.
Comment: The p.M1841K variant (also known as c.5522T>A), located in coding exon 43 of the CACNA1C gene, results from a T to A substitution at nucleotide position 5522. The methionine at codon 1841 is replaced by lysine, an amino acid with similar properties. This amino acid position is poorly conserved in available vertebrate species. In addition, this alteration is predicted to be tolerated by in silico analysis. Based on the available evidence, the clinical significance of this variant remains unclear.

Labcorp Genetics (formerly Invitae), Labcorp
Classification: Uncertain significance for Long QT syndrome. Last evaluated: 2023-01-26. Review status: criteria provided, single submitter. Criteria: Invitae Variant Classification Sherloc (09022015). Collection method: clinical testing. Allele origin: germline.
Comment: Advanced modeling of protein sequence and biophysical properties (such as structural, functional, and spatial information, amino acid conservation, physicochemical variation, residue mobility, and thermodynamic stability) performed at Invitae indicates that this missense variant is not expected to disrupt CACNA1C protein function. In summary, the available evidence is currently insufficient to determine the role of this variant in disease. Therefore, it has been classified as a Variant of Uncertain Significance. This variant has not been reported in the literature in individuals affected with CACNA1C-related conditions. This variant is not present in population databases (gnomAD no frequency). This sequence change replaces methionine, which is neutral and non-polar, with lysine, which is basic and polar, at codon 1841 of the CACNA1C protein (p.Met1841Lys).